The following is an entry in ClinVar:

ClinVar aggregate classification (germline): Pathogenic (1 of 4 stars; one submission).

Submission:

Labcorp Genetics (formerly Invitae), Labcorp
Classification: Pathogenic. Last evaluated: 2023-03-08. Review status: criteria provided, single submitter. Criteria: Invitae Variant Classification Sherloc (09022015). Collection method: clinical testing. Allele origin: germline.
Comment: This sequence change creates a premature translational stop signal (p.Val193Serfs*2) in the EIF2B1 gene. It is expected to result in an absent or disrupted protein product. Loss-of-function variants in EIF2B1 are known to be pathogenic (PMID: 11835386, 32865661). This variant is not present in population databases (gnomAD no frequency). This variant has not been reported in the literature in individuals affected with EIF2B1-related conditions. For these reasons, this variant has been classified as Pathogenic.

Literature cited by the submitters: PubMed 11835386; PubMed 32865661.

NM_001414.4(EIF2B1):c.576del (p.Val193fs)

Gene: EIF2B1 (eukaryotic translation initiation factor 2B subunit alpha; minus strand). Cytogenetic location: 12q24.31.
Variant type: Deletion.
Coding change: c.576del on transcript NM_001414.4 (MANE Select); coding-DNA position 576, one base deleted (T; older notation c.576delT).
Protein change: p.Val193fs; shifts the reading frame from valine 193.
Molecular consequence: frameshift variant.
Genome position (GRCh38, 1-based): chr12:123,624,838, A deleted on the plus strand (T on the coding strand, the reverse complement: EIF2B1 is on the minus strand); the first of 2 consecutive A bases (chr12:123,624,838-123,624,839); deleting either gives the same sequence. VCF-style (leftmost placement, unchanged base first): chr12-123624837-CA-C. GRCh37 (hg19) VCF-style: chr12-124109384-CA-C.
Other names: short protein forms V193fs.
Identifiers: ClinVar variation 2839826 (VCV002839826.3), dbSNP rs2547828012, ClinGen allele CA2739277347.